The following is an entry in ClinVar:

ClinVar aggregate classification (germline): Pathogenic (1 of 4 stars; one submission).

Conditions:
Immunodeficiency 31B. Also called: STAT1 DEFICIENCY, AUTOSOMAL RECESSIVE; IMMUNODEFICIENCY 31B, MYCOBACTERIAL AND VIRAL INFECTIONS, AUTOSOMAL RECESSIVE. Identifiers: Orphanet 391311, MedGen C3151088, MONDO:0013427, OMIM 613796.
Autoimmune enteropathy and endocrinopathy - susceptibility to chronic infections syndrome. Also called: Immunodeficiency 31C, autosomal dominant; Immunodeficiency 31C. Identifiers: Orphanet 391487, MedGen C3279990, MONDO:0013599, OMIM 614162.
Mendelian susceptibility to mycobacterial diseases due to partial STAT1 deficiency. Also called: IMMUNODEFICIENCY 31A, MYCOBACTERIOSIS, AUTOSOMAL DOMINANT; STAT1 DEFICIENCY, AUTOSOMAL DOMINANT; Immunodeficiency 31a. Identifiers: Orphanet 319595, MedGen C4013950, MONDO:0013956, OMIM 614892.

Submission:

Labcorp Genetics (formerly Invitae), Labcorp
Classification: Pathogenic for Mendelian susceptibility to mycobacterial diseases due to partial STAT1 deficiency; Immunodeficiency 31B; Autoimmune enteropathy and endocrinopathy - susceptibility to chronic infections syndrome. Last evaluated: 2024-02-23. Review status: criteria provided, single submitter. Criteria: Invitae Variant Classification Sherloc (09022015). Collection method: clinical testing. Allele origin: germline.
Comment: This sequence change creates a premature translational stop signal (p.Glu429Alafs*5) in the STAT1 gene. It is expected to result in an absent or disrupted protein product. Loss-of-function variants in STAT1 are known to be pathogenic (PMID: 22651901). This variant is not present in population databases (gnomAD no frequency). This variant has not been reported in the literature in individuals affected with STAT1-related conditions. For these reasons, this variant has been classified as Pathogenic.

Literature cited by the submitters: PubMed 22651901.

NM_007315.4(STAT1):c.1286_1287del (p.Glu429fs)

Gene: STAT1 (signal transducer and activator of transcription 1; minus strand). Cytogenetic location: 2q32.2.
Variant type: Microsatellite.
Coding change: c.1286_1287del on transcript NM_007315.4 (MANE Select); coding-DNA positions 1286 to 1287, 2 bases deleted (AG; older notation c.1286_1287delAG).
Protein change: p.Glu429fs; shifts the reading frame from glutamic acid 429.
Molecular consequence: frameshift variant.
Genome position (GRCh38, 1-based): chr2:190,984,370-190,984,371, CT deleted on the plus strand (AG on the coding strand, the reverse complement: STAT1 is on the minus strand); deleting any 2 consecutive bases within chr2:190,984,370-190,984,373 gives the same sequence; the c. name uses the placement nearest the transcript's 3' end. VCF-style (leftmost placement, unchanged base first): chr2-190984369-GCT-G. GRCh37 (hg19) VCF-style: chr2-191849095-GCT-G.
Other names: c.1286_1287del, p.Glu429fs (NM_001384889.1, NM_139266.3, NM_001384886.1); c.1196_1197del, p.Glu399fs (NM_001384890.1); c.1322_1323del, p.Glu441fs (NM_001384891.1); c.1226_1227del, p.Glu409fs (NM_001384880.1); c.1292_1293del, p.Glu431fs (NM_001384881.1, NM_001384884.1); c.1280_1281del, p.Glu427fs (NM_001384882.1); c.1187_1188del, p.Glu396fs (NM_001384883.1); c.1127_1128del, p.Glu376fs (NM_001384885.1); and 2 more; short protein forms E431fs, E441fs, E399fs, E409fs, E427fs, E376fs, E396fs, E429fs.
Identifiers: ClinVar variation 2952404 (VCV002952404.3), dbSNP rs2470453245, ClinGen allele CA2740096400.
Genomic context (GRCh38, chr2:190,984,369, plus strand): 5'-CCTCGAGGTCAATTACCAAACCAGGCTGGCACAATTGGGTTTCAAAACTAAGGGAGTGAA[GCT>G]CTTCAGTAACGATGAGAGGACCCTTGGAAGAGAAAAGGAAAGAAGAAAAGAATATAATTA-3'